The following is an entry in ClinVar:

ClinVar aggregate classification (germline): Uncertain significance (1 of 4 stars; one submission).

gnomAD v4.1: 33 of 1,612,116 alleles (0.002%); highest among the groups gnomAD compares: East Asian, 0.071%; no homozygotes.

Submissions (2):

Labcorp Genetics (formerly Invitae), Labcorp
Classification: Uncertain significance. Last evaluated: 2022-09-19. Review status: criteria provided, single submitter. Criteria: Invitae Variant Classification Sherloc (09022015). Collection method: clinical testing. Allele origin: germline.
Comment: In summary, the available evidence is currently insufficient to determine the role of this variant in disease. Therefore, it has been classified as a Variant of Uncertain Significance. Algorithms developed to predict the effect of sequence changes on RNA splicing suggest that this variant may create or strengthen a splice site. ClinVar contains an entry for this variant (Variation ID: 1497481). This variant has not been reported in the literature in individuals affected with SLCO2A1-related conditions. This variant is present in population databases (rs775049137, gnomAD 0.02%). This sequence change falls in intron 7 of the SLCO2A1 gene. It does not directly change the encoded amino acid sequence of the SLCO2A1 protein.

Dr. Peter K. Rogan Lab, Western University
No classification provided (evidence only). Condition: Cervical cancer. Review status: no classification provided. Collection method: in vitro. Allele origin: not applicable. Functional consequence: retained intron. Not counted in ClinVar's aggregate classification.

NM_005630.3(SLCO2A1):c.941-10C>A

Gene: SLCO2A1 (solute carrier organic anion transporter family member 2A1; minus strand). Cytogenetic location: 3q22.1.
Variant type: single nucleotide variant.
Coding change: c.941-10C>A on transcript NM_005630.3 (MANE Select); 10 bases into the intron before coding-DNA position 941, C replaced by A.
Molecular consequence: intron variant.
Genome position (GRCh38, 1-based): chr3:133,948,710, G>T on the plus strand (C>A on the coding strand, the complement: SLCO2A1 is on the minus strand). VCF-style: chr3-133948710-G-T. GRCh37 (hg19) VCF-style: chr3-133667554-G-T.
Identifiers: ClinVar variation 1497481 (VCV001497481.7), dbSNP rs775049137, ClinGen allele CA2626607.